The following is an entry in ClinVar:

NM_004629.2(FANCG):c.8G>T (p.Arg3Leu)

Gene: FANCG (FA complementation group G; minus strand). Cytogenetic location: 9p13.3.
Variant type: single nucleotide variant.
Coding change: c.8G>T on transcript NM_004629.2 (MANE Select); coding-DNA position 8, G replaced by T.
Protein change: p.Arg3Leu; replaces arginine 3 with leucine.
Molecular consequence: missense variant.
Genome position (GRCh38, 1-based): chr9:35,079,517, C>A on the plus strand (G>T on the coding strand, the complement: FANCG is on the minus strand). VCF-style: chr9-35079517-C-A. GRCh37 (hg19) VCF-style: chr9-35079514-C-A.
Other names: short protein forms R3L.
Identifiers: ClinVar variation 1375614 (VCV001375614.5), dbSNP rs770674344, ClinGen allele CA5040170.

ClinVar aggregate classification (germline): Uncertain significance (1 of 4 stars; one submission).

Conditions:
Fanconi anemia (FA). Also called: Fanconi's anemia. Identifiers: Orphanet 84, MedGen C0015625, MeSH D005199, MONDO:0019391.

Allele frequency attached by ClinVar (database versions not stated): ExAC 0.00002; gnomAD exomes 0.00001.
gnomAD v4.1: 6 of 1,614,006 alleles (0.00037%); highest among the groups gnomAD compares: East Asian, 0.013%; no homozygotes.

Submission:

Labcorp Genetics (formerly Invitae), Labcorp
Classification: Uncertain significance for Fanconi anemia. Last evaluated: 2021-09-17. Review status: criteria provided, single submitter. Criteria: Invitae Variant Classification Sherloc (09022015). Collection method: clinical testing. Allele origin: germline.
Comment: This sequence change replaces arginine with leucine at codon 3 of the FANCG protein (p.Arg3Leu). The arginine residue is weakly conserved and there is a moderate physicochemical difference between arginine and leucine. This variant is present in population databases (rs770674344, ExAC 0.02%). This variant has not been reported in the literature in individuals with FANCG-related disease. Algorithms developed to predict the effect of missense changes on protein structure and function output the following: SIFT: "Tolerated"; PolyPhen-2: "Benign"; Align-GVGD: "Class C0". The leucine amino acid residue is found in multiple mammalian species, suggesting that this missense change does not adversely affect protein function. These predictions have not been confirmed by published functional studies and their clinical significance is uncertain. In summary, the available evidence is currently insufficient to determine the role of this variant in disease. Therefore, it has been classified as a Variant of Uncertain Significance.